The following is an entry in ClinVar:

NC_000023.11:g.(?_32348386)_(32365219_?)del

Gene: DMD (dystrophin; minus strand). Cytogenetic location: Xp21.1.
Variant type: Deletion.
Identifiers: ClinVar variation 526151 (VCV000526151.6).

ClinVar aggregate classification (germline): Pathogenic (1 of 4 stars; one submission).

Conditions:
Duchenne muscular dystrophy (DMD). Also called: Duchenne Muscular Dystrophy (DMD); MUSCULAR DYSTROPHY, PSEUDOHYPERTROPHIC PROGRESSIVE, DUCHENNE TYPE. Identifiers: Orphanet 98896, MedGen C0013264, MONDO:0010679, OMIM 310200.

Submission:

Labcorp Genetics (formerly Invitae), Labcorp
Classification: Pathogenic for Duchenne muscular dystrophy. Last evaluated: 2021-11-10. Review status: criteria provided, single submitter. Criteria: Invitae Variant Classification Sherloc (09022015). Collection method: clinical testing. Allele origin: germline.
Comment: For these reasons, this variant has been classified as Pathogenic. This variant disrupts a region of the DMD protein in which other variant(s) (exons 35-37) have been determined to be pathogenic (Invitae). This suggests that this is a clinically significant region of the protein, and that variants that disrupt it are likely to be disease-causing. This variant has not been reported in the literature in individuals affected with DMD-related conditions. This variant is a gross deletion of the genomic region encompassing exon(s) 35-38 of the DMD gene. This variant would be expected to be in-frame, preserving the integrity of the reading frame.